The following is an entry in ClinVar:

NM_000601.6(HGF):c.1735C>G (p.Leu579Val)

Gene: HGF (hepatocyte growth factor; minus strand). Cytogenetic location: 7q21.11.
Variant type: single nucleotide variant.
Coding change: c.1735C>G on transcript NM_000601.6 (MANE Select); coding-DNA position 1735, C replaced by G.
Protein change: p.Leu579Val; replaces leucine 579 with valine.
Molecular consequence: missense variant.
Genome position (GRCh38, 1-based): chr7:81,706,309, G>C on the plus strand (C>G on the coding strand, the complement: HGF is on the minus strand). VCF-style: chr7-81706309-G-C. GRCh37 (hg19) VCF-style: chr7-81335625-G-C.
Other names: c.1720C>G, p.Leu574Val (NM_001010932.3); short protein forms L574V, L579V.
Identifiers: ClinVar variation 2662634 (VCV002662634.4), dbSNP rs1789424748, ClinGen allele CA367872729.

ClinVar aggregate classification (germline): Uncertain significance. Review status: criteria provided, multiple submitters, no conflicts (2 of 4 stars). 2 submissions from 2 submitters: Uncertain significance (2). Last evaluated 2023-04-20.

Allele frequency attached by ClinVar (database versions not stated): gnomAD exomes 0.00001; TOPMed 0.00001.
gnomAD v4.1: 3 of 1,612,674 alleles (0.00019%); highest among the groups gnomAD compares: Non-Finnish European, 0.00025%; no homozygotes.

Submissions (2):

GeneDx
Classification: Uncertain significance. Last evaluated: 2023-04-20. Review status: criteria provided, single submitter. Criteria: GeneDx Variant Classification Process June 2021. Collection method: clinical testing. Allele origin: germline. Affected: yes.
Comment: Not observed at significant frequency in large population cohorts (gnomAD); In silico analysis supports that this missense variant does not alter protein structure/function; Has not been previously published as pathogenic or benign to our knowledge

Labcorp Genetics (formerly Invitae), Labcorp
Classification: Uncertain significance. Last evaluated: 2023-03-24. Review status: criteria provided, single submitter. Criteria: Invitae Variant Classification Sherloc (09022015). Collection method: clinical testing. Allele origin: germline.
Comment: This variant has not been reported in the literature in individuals affected with HGF-related conditions. This sequence change replaces leucine, which is neutral and non-polar, with valine, which is neutral and non-polar, at codon 579 of the HGF protein (p.Leu579Val). This variant is not present in population databases (gnomAD no frequency). An algorithm developed to predict the effect of missense changes on protein structure and function (PolyPhen-2) suggests that this variant is likely to be disruptive. In summary, the available evidence is currently insufficient to determine the role of this variant in disease. Therefore, it has been classified as a Variant of Uncertain Significance.